The following is an entry in ClinVar:

NM_000038.6(APC):c.933+1192C>A

Gene: APC (APC regulator of WNT signaling pathway; plus strand). Cytogenetic location: 5q22.2.
Variant type: single nucleotide variant.
Coding change: c.933+1192C>A on transcript NM_000038.6 (MANE Select); 1192 bases into the intron after coding-DNA position 933, C replaced by A.
Molecular consequence: intron variant.
Genome position (GRCh38, 1-based): chr5:112,816,785, C>A. VCF-style: chr5-112816785-C-A. GRCh37 (hg19) VCF-style: chr5-112152482-C-A.
Other names: c.933+1192C>A (NM_001354895.2, NM_001127510.3, NM_001354896.2 and 1 more transcripts); c.963+1192C>A (NM_001354897.2, NM_001354902.2); c.879+1192C>A (NM_001127511.3); c.858+1192C>A (NM_001354898.2, NM_001354904.2); c.84+1192C>A (NM_001354906.2); c.849+1192C>A (NM_001354899.2); c.756+1192C>A (NM_001354900.2, NM_001354901.2, NM_001354905.2).
Identifiers: ClinVar variation 83105 (VCV000083105.2), dbSNP rs74652049, ClinGen allele CA015677.
Genomic context (GRCh38, chr5:112,816,785, plus strand): 5'-GGAGGTTGCAGTGAGCTGAGATTGTGCCATTGCACTCCAGCCTGGGCAACAAGAGCAAAA[C>A]TCCATTTCAAAAGAAAAAAAAAAGAGGAAAATATAGTTACTTTATTATTTTAAAGTCAGA-3'

ClinVar aggregate classification (germline): other (0 of 4 stars; one submission).

Conditions:
Familial colorectal cancer. Identifiers: MedGen CN280943, MONDO:0023113. Disease mechanism: loss of function.

Submission:

Systems Biology Platform Zhejiang California International NanoSystems Institute
Classification: other for Familial colorectal cancer. Review status: no assertion criteria provided. Collection method: not provided. Allele origin: unknown.
ClinVar note: Converted during submission from cancer to other.